The following is an entry in ClinVar:

NM_004415.4(DSP):c.4696C>G (p.Leu1566Val)

Gene: DSP (desmoplakin; plus strand). Cytogenetic location: 6p24.3.
Variant type: single nucleotide variant.
Coding change: c.4696C>G on transcript NM_004415.4 (MANE Select); coding-DNA position 4696, C replaced by G.
Protein change: p.Leu1566Val; replaces leucine 1566 with valine.
Molecular consequence: missense variant. On other transcripts: intron variant (2).
Genome position (GRCh38, 1-based): chr6:7,580,886, C>G. VCF-style: chr6-7580886-C-G. GRCh37 (hg19) VCF-style: chr6-7581119-C-G.
Other names: c.4696C>G (LRG_423t1); c.4050+646C>G (NM_001319034.2); c.3582+1114C>G (NM_001008844.3); short protein forms L1566V.
Identifiers: ClinVar variation 432622 (VCV000432622.23), dbSNP rs201785897, ClinGen allele CA042525.

ClinVar aggregate classification (germline): Conflicting classifications of pathogenicity. Review status: criteria provided, conflicting classifications (1 of 4 stars). 9 submissions from 9 submitters: Uncertain significance (8); Likely benign (1). Last evaluated 2025-11-05.

Conditions:
Arrhythmogenic right ventricular dysplasia 8 (ARVD8). Also called: Arrhythmogenic Right Ventricular Dysplasia/Cardiomyopathy 8; ARRHYTHMOGENIC RIGHT VENTRICULAR DYSPLASIA, FAMILIAL, 8; ARRHYTHMOGENIC RIGHT VENTRICULAR CARDIOMYOPATHY 8. Identifiers: MedGen C1843896, MONDO:0011831, OMIM 607450.
Arrhythmogenic cardiomyopathy with wooly hair and keratoderma. Also called: Arrhythmogenic cardiomyopathy with woolly hair and keratoderma; PALMOPLANTAR KERATODERMA WITH LEFT VENTRICULAR CARDIOMYOPATHY AND WOOLLY HAIR; Carvajal syndrome; Dilated cardiomyopathy with woolly hair and keratoderma. Identifiers: Orphanet 65282, MedGen C1854063, MONDO:0011581, OMIM 605676.
Cardiovascular phenotype. Identifiers: MedGen CN230736.
Cardiomyopathy (CMYO). Also called: Cardiomyopathies. Identifiers: Orphanet 167848, MedGen C0878544, MONDO:0004994, HP:0001638. Inheritance: Various modes of inheritance.

Allele frequency attached by ClinVar (database versions not stated): ExAC 0.00003; gnomAD 0.00004; TOPMed 0.00006; ESP Exome Variant Server 0.00008; 1000 Genomes Project 0.00020; 1000 Genomes Project 30x 0.00031.
gnomAD v4.1: 38 of 1,614,118 alleles (0.0024%); highest among the groups gnomAD compares: Middle Eastern, 0.033%; no homozygotes.

Submissions (9):

Labcorp Genetics (formerly Invitae), Labcorp
Classification: Likely benign for Arrhythmogenic cardiomyopathy with wooly hair and keratoderma; Arrhythmogenic right ventricular dysplasia 8. Last evaluated: 2025-11-05. Review status: criteria provided, single submitter. Criteria: Invitae Variant Classification Sherloc (09022015). Collection method: clinical testing. Allele origin: germline.

Ambry Genetics
Classification: Uncertain significance for Cardiovascular phenotype. Last evaluated: 2025-02-05. Review status: criteria provided, single submitter. Criteria: Ambry Variant Classification Scheme 2023. Collection method: clinical testing. Allele origin: germline.
Comment: The p.L1566V variant (also known as c.4696C>G), located in coding exon 23 of the DSP gene, results from a C to G substitution at nucleotide position 4696. The leucine at codon 1566 is replaced by valine, an amino acid with highly similar properties. This variant was has been detected in a peripartum cardiomyopathy cohort (Goli R et al. Circulation, 2021 May;143:1852-1862). This amino acid position is well conserved in available vertebrate species. In addition, this alteration is predicted to be tolerated by in silico analysis. Based on the available evidence, the clinical significance of this variant remains unclear.

All of Us Research Program, National Institutes of Health
Classification: Uncertain significance for Arrhythmogenic cardiomyopathy with wooly hair and keratoderma. Last evaluated: 2024-09-23. Review status: criteria provided, single submitter. Criteria: ACMG Guidelines, 2015. Collection method: clinical testing. Allele origin: germline. Inheritance: Autosomal dominant inheritance. Observed: 10 variant alleles, 10 heterozygotes.
Comment: This missense variant replaces leucine with valine at codon 1566 of the DSP protein. Computational prediction suggests that this variant may not impact protein structure and function (internally defined REVEL score threshold <= 0.5, PMID: 27666373). To our knowledge, functional studies have not been reported for this variant. This variant has not been reported in individuals affected with cardiovascular disorders in the literature. This variant has been identified in 7/250376 chromosomes in the general population by the Genome Aggregation Database (gnomAD). The available evidence is insufficient to determine the role of this variant in disease conclusively. Therefore, this variant is classified as a Variant of Uncertain Significance.

This study involves interpretation of variants in research participants for the purpose of population health screening. Participant phenotype was not available at the time of variant classification. Additional details can be found in publication PMID: 35346344, PMCID: PMC8962531

Blueprint Genetics
Classification: Uncertain significance. Last evaluated: 2024-06-14. Review status: criteria provided, single submitter. Criteria: ACMG Guidelines, 2015. Collection method: clinical testing. Allele origin: germline.

Color Diagnostics, LLC DBA Color Health
Classification: Uncertain significance for Cardiomyopathy. Last evaluated: 2024-03-25. Review status: criteria provided, single submitter. Criteria: ACMG Guidelines, 2015. Collection method: clinical testing. Allele origin: germline.
Comment: This missense variant replaces leucine with valine at codon 1566 of the DSP protein. Computational prediction suggests that this variant may not impact protein structure and function. To our knowledge, functional studies have not been reported for this variant. This variant has not been reported in individuals affected with cardiovascular disorders in the literature. This variant has been identified in 7/250376 chromosomes in the general population by the Genome Aggregation Database (gnomAD). The available evidence is insufficient to determine the role of this variant in disease conclusively. Therefore, this variant is classified as a Variant of Uncertain Significance.

Clinical Genetics Laboratory, Skane University Hospital Lund
Classification: Uncertain significance. Last evaluated: 2022-05-27. Review status: criteria provided, single submitter. Criteria: ACMG Guidelines, 2015. Collection method: clinical testing. Allele origin: germline. Affected: yes.

CHEO Genetics Diagnostic Laboratory, Children's Hospital of Eastern Ontario
Classification: Uncertain significance for Cardiomyopathy. Last evaluated: 2021-04-20. Review status: criteria provided, single submitter. Criteria: ACMG Guidelines, 2015. Collection method: clinical testing. Allele origin: germline.

Institute of Human Genetics, University of Leipzig Medical Center
Classification: Uncertain significance for Arrhythmogenic right ventricular dysplasia 8. Last evaluated: 2019-01-01. Review status: criteria provided, single submitter. Criteria: ACMG Guidelines, 2015. Collection method: clinical testing. Allele origin: unknown. Affected: yes.

GeneDx
Classification: Uncertain significance. Last evaluated: 2017-06-12. Review status: criteria provided, single submitter. Criteria: GeneDx Variant Classification (06012015). Collection method: clinical testing. Allele origin: germline. Affected: yes.
Comment: A variant of uncertain significance has been identified in the DSP gene. The L1566V variant has not been published as pathogenic or been reported as benign to our knowledge. This variant is not observed at a significant frequency in large population cohorts (Lek et al., 2016; 1000 Genomes Consortium et al., 2015; Exome Variant Server). This substitution occurs at a position that is conserved across species. However, the L1566V variant is a conservative amino acid substitution, which is not likely to impact secondary protein structure as these residues share similar properties. Finally, in silico analysis is inconsistent in its predictions as to whether or not the variant is damaging to the protein structure/function.

Literature cited by the submitters: PubMed 33874732 (cited by Ambry Genetics).